The following is an entry in ClinVar:

ClinVar aggregate classification (germline): Likely benign. Review status: criteria provided, multiple submitters, no conflicts (2 of 4 stars). 2 submissions from 2 submitters: Likely benign (2). Last evaluated 2025-09-24.

Conditions:
Progressive myoclonic epilepsy. Also called: Progressive myoclonus epilepsy; Familial progressive myoclonic epilepsy; Myoclonus epilepsy; Myoclonic Epilepsies, Progressive. Identifiers: Orphanet 308, Orphanet 98261, MedGen C0751778, MONDO:0020074.

Allele frequency attached by ClinVar (database versions not stated): ExAC 0.00001; gnomAD exomes 0.00001; gnomAD 0.00003; TOPMed 0.00005.
gnomAD v4.1: 20 of 1,583,926 alleles (0.0013%); highest among the groups gnomAD compares: African/African-American, 0.013%; no homozygotes.

Submissions (2):

Labcorp Genetics (formerly Invitae), Labcorp
Classification: Likely benign for Progressive myoclonic epilepsy. Last evaluated: 2025-09-24. Review status: criteria provided, single submitter. Criteria: Invitae Variant Classification Sherloc (09022015). Collection method: clinical testing. Allele origin: germline.

GeneDx
Classification: Likely benign. Last evaluated: 2018-03-13. Review status: criteria provided, single submitter. Criteria: GeneDx Variant Classification (06012015). Collection method: clinical testing. Allele origin: germline. Affected: yes.
Comment: This variant is considered likely benign or benign based on one or more of the following criteria: it is a conservative change, it occurs at a poorly conserved position in the protein, it is predicted to be benign by multiple in silico algorithms, and/or has population frequency not consistent with disease.

NM_004287.5(GOSR2):c.105C>T (p.Asn35=)

Genes: LRRC37A2 (leucine rich repeat containing 37 member A2), GOSR2 (golgi SNAP receptor complex member 2; plus strand), LOC126862578 (BRD4-independent group 4 enhancer GRCh37_chr17:45008344-45009543; plus strand). Cytogenetic location: 17q21.32.
Variant type: single nucleotide variant.
Coding change: c.105C>T on transcript NM_004287.5 (MANE Select); coding-DNA position 105, C replaced by T.
Protein change: p.Asn35=; no amino-acid change (asparagine 35 retained).
Molecular consequence: synonymous variant. On other transcripts: non-coding transcript variant (3).
Genome position (GRCh38, 1-based): chr17:46,931,109, C>T. VCF-style: chr17-46931109-C-T. GRCh37 (hg19) VCF-style: chr17-45008475-C-T.
Other names: c.105C>T, p.Asn35= (NM_001012511.3, NM_001321133.2, NM_001330252.2 and 1 more transcripts); c.51C>T, p.Asn17= (NM_001321134.2, NM_001363851.2); c.102C>T, p.Asn34= (NM_001353114.2, NM_001353115.2, NM_001353116.2).
Identifiers: ClinVar variation 508875 (VCV000508875.10), dbSNP rs780832143, ClinGen allele CA8621164.
Genomic context (GRCh38, chr17:46,931,109, plus strand): 5'-AAGTTCACTATCTCTTTTCCAGCAATTATTCTTTTTTCTTTTTTGTACAGTAGTAGAAAA[C>T]GAAATCCAAGCAAGCATAGACCAGATATTCAGCCGTCTAGAACGTCTGGAGATTTTGTCC-3'
Protein context (NP_004278.2, residues 25-45): ADKQSVHIVE[Asn35=]EIQASIDQIF